The following is an entry in ClinVar:

ClinVar aggregate classification (germline): Uncertain significance (1 of 4 stars; one submission).

Conditions:
Inborn genetic diseases. Identifiers: MedGen C0950123, MeSH D030342.

Submission:

Ambry Genetics
Classification: Uncertain significance for Inborn genetic diseases. Last evaluated: 2025-01-13. Review status: criteria provided, single submitter. Criteria: Ambry Variant Classification Scheme 2023. Collection method: clinical testing. Allele origin: germline.
Comment: The p.V228L variant (also known as c.682G>C), located in coding exon 4 of the SLC37A4 gene, results from a G to C substitution at nucleotide position 682. The valine at codon 228 is replaced by leucine, an amino acid with highly similar properties. This amino acid position is conserved. In addition, this alteration is predicted to be tolerated by in silico analysis. Based on the available evidence, the clinical significance of this variant remains unclear.

NM_001164277.2(SLC37A4):c.682G>C (p.Val228Leu)

Gene: SLC37A4 (solute carrier family 37 member 4; minus strand). Cytogenetic location: 11q23.3.
Variant type: single nucleotide variant.
Coding change: c.682G>C on transcript NM_001164277.2 (MANE Select); coding-DNA position 682, G replaced by C.
Protein change: p.Val228Leu; replaces valine 228 with leucine.
Molecular consequence: missense variant.
Genome position (GRCh38, 1-based): chr11:119,027,039, C>G on the plus strand (G>C on the coding strand, the complement: SLC37A4 is on the minus strand). VCF-style: chr11-119027039-C-G. GRCh37 (hg19) VCF-style: chr11-118897749-C-G.
Other names: c.682G>C, p.Val228Leu (NM_001164278.2, NM_001164280.2, NM_001467.6); c.463G>C, p.Val155Leu (NM_001164279.2); short protein forms V155L, V228L.
Identifiers: ClinVar variation 3797666 (VCV003797666.1).